The following is an entry in ClinVar:

NM_031372.4(HNRNPDL):c.188C>T (p.Ala63Val)

Gene: HNRNPDL (heterogeneous nuclear ribonucleoprotein D like; minus strand). Cytogenetic location: 4q21.22.
Variant type: single nucleotide variant.
Coding change: c.188C>T on transcript NM_031372.4 (MANE Select); coding-DNA position 188, C replaced by T.
Protein change: p.Ala63Val; replaces alanine 63 with valine.
Molecular consequence: missense variant. On other transcripts: non-coding transcript variant (1).
Genome position (GRCh38, 1-based): chr4:82,429,503, G>A on the plus strand (C>T on the coding strand, the complement: HNRNPDL is on the minus strand). VCF-style: chr4-82429503-G-A. GRCh37 (hg19) VCF-style: chr4-83350656-G-A.
Other names: c.188C>T, p.Ala63Val (NM_001207000.1); short protein forms A63V.
Identifiers: ClinVar variation 838822 (VCV000838822.13), dbSNP rs911725122, ClinGen allele CA357172843.

ClinVar aggregate classification (germline): Uncertain significance (1 of 4 stars; one submission).

Conditions:
Autosomal dominant limb-girdle muscular dystrophy type 1G (LGMDD3). Also called: Limb-girdle muscular dystrophy, type 1G; MUSCULAR DYSTROPHY, LIMB-GIRDLE, AUTOSOMAL DOMINANT 3. Identifiers: Orphanet 55596, MedGen C1836765, MONDO:0012193, OMIM 609115.

Allele frequency attached by ClinVar (database versions not stated): TOPMed below 0.00001.

Submission:

Labcorp Genetics (formerly Invitae), Labcorp
Classification: Uncertain significance for Autosomal dominant limb-girdle muscular dystrophy type 1G. Last evaluated: 2022-07-25. Review status: criteria provided, single submitter. Criteria: Invitae Variant Classification Sherloc (09022015). Collection method: clinical testing. Allele origin: germline.
Comment: In summary, the available evidence is currently insufficient to determine the role of this variant in disease. Therefore, it has been classified as a Variant of Uncertain Significance. Algorithms developed to predict the effect of missense changes on protein structure and function are either unavailable or do not agree on the potential impact of this missense change (SIFT: "Tolerated"; PolyPhen-2: "Possibly Damaging"; Align-GVGD: "Class C0"). ClinVar contains an entry for this variant (Variation ID: 838822). This variant has not been reported in the literature in individuals affected with HNRNPDL-related conditions. This variant is not present in population databases (gnomAD no frequency). This sequence change replaces alanine, which is neutral and non-polar, with valine, which is neutral and non-polar, at codon 63 of the HNRNPDL protein (p.Ala63Val).